The following is an entry in ClinVar:

NM_000143.4(FH):c.578C>T (p.Thr193Ile)

Gene: FH (fumarate hydratase; minus strand). Cytogenetic location: 1q43.
Variant type: single nucleotide variant.
Coding change: c.578C>T on transcript NM_000143.4 (MANE Select); coding-DNA position 578, C replaced by T.
Protein change: p.Thr193Ile; replaces threonine 193 with isoleucine.
Molecular consequence: missense variant.
Genome position (GRCh38, 1-based): chr1:241,508,763, G>A on the plus strand (C>T on the coding strand, the complement: FH is on the minus strand). VCF-style: chr1-241508763-G-A. GRCh37 (hg19) VCF-style: chr1-241672063-G-A.
Other names: short protein forms T193I.
Identifiers: ClinVar variation 646748 (VCV000646748.10), dbSNP rs1573883332, ClinGen allele CA345439461.

ClinVar aggregate classification (germline): Conflicting classifications of pathogenicity. Review status: criteria provided, conflicting classifications (1 of 4 stars). 2 submissions from 2 submitters: Pathogenic (1); Uncertain significance (1). Last evaluated 2022-02-23.

Conditions:
Hereditary leiomyomatosis and renal cell cancer. Also called: MULTIPLE CUTANEOUS AND UTERINE LEIOMYOMATA 1, WITH OR WITHOUT RENAL CELL CARCINOMA; Reed syndrome; Multiple cutaneous and uterine leiomyomatosis; Cutaneous leiomyomata with uterine leiomyomata; Leiomyoma, hereditary multiple, of skin; Multiple cutaneous and uterine leiomyomata. Identifiers: Orphanet 523, MedGen C1708350, MONDO:0007888, OMIM 150800, HP:0007437. Disease mechanism: loss of function.
Fumarase deficiency (FMRD). Also called: Fumarate Hydratase Deficiency; Fumaric aciduria. Identifiers: Orphanet 24, MedGen C0342770, MONDO:0011730, OMIM 606812.

Allele frequency attached by ClinVar (database versions not stated): gnomAD exomes below 0.00001.
gnomAD v4.1: 1 of 1,613,666 alleles (0.000062%); highest among the groups gnomAD compares: Non-Finnish European, 0.000085%; no homozygotes.

Submissions (2):

Labcorp Genetics (formerly Invitae), Labcorp
Classification: Pathogenic. Last evaluated: 2022-02-23. Review status: criteria provided, single submitter. Criteria: Invitae Variant Classification Sherloc (09022015). Collection method: clinical testing. Allele origin: germline.
Comment: For these reasons, this variant has been classified as Pathogenic. Advanced modeling of protein sequence and biophysical properties (such as structural, functional, and spatial information, amino acid conservation, physicochemical variation, residue mobility, and thermodynamic stability) performed at Invitae indicates that this missense variant is expected to disrupt FH protein function. ClinVar contains an entry for this variant (Variation ID: 646748). This missense change has been observed in individual(s) with cutaneous leiomyoma and/or FH-related conditions (PMID: 24346898; Invitae). This variant is not present in population databases (gnomAD no frequency). This sequence change replaces threonine, which is neutral and polar, with isoleucine, which is neutral and non-polar, at codon 193 of the FH protein (p.Thr193Ile).

Fulgent Genetics
Classification: Uncertain significance for Hereditary leiomyomatosis and renal cell cancer; Fumarase deficiency. Last evaluated: 2021-08-11. Review status: criteria provided, single submitter. Criteria: ACMG Guidelines, 2015. Collection method: clinical testing. Allele origin: unknown.

Literature cited by the submitters: PubMed 24346898 (cited by Labcorp Genetics (formerly Invitae), Labcorp).